The following is an entry in ClinVar:

ClinVar aggregate classification (germline): Conflicting classifications of pathogenicity. Review status: criteria provided, conflicting classifications (1 of 4 stars). 4 submissions from 4 submitters: Uncertain significance (3); Likely benign (1). Last evaluated 2025-09-28.

Conditions:
Hereditary cancer-predisposing syndrome. Also called: Neoplastic Syndromes, Hereditary; Hereditary Cancer Syndrome; Hereditary neoplastic syndrome; Tumor predisposition. Identifiers: Orphanet 140162, MedGen C0027672, MeSH D009386, MONDO:0015356.
Colorectal cancer, susceptibility to, 12 (CRCS12). Also called: COLORECTAL CANCER, SUSCEPTIBILITY TO, ON CHROMOSOME 12q24. Identifiers: Orphanet 220460, MedGen C3554460, MONDO:0014038, OMIM 615083.

Allele frequency attached by ClinVar (database versions not stated): gnomAD exomes below 0.00001 and 0.00002; TOPMed 0.00001; gnomAD 0.00002.
gnomAD v4.1: 37 of 1,613,230 alleles (0.0023%); highest among the groups gnomAD compares: Non-Finnish European, 0.003%; no homozygotes.

Submissions (4):

Labcorp Genetics (formerly Invitae), Labcorp
Classification: Uncertain significance. Last evaluated: 2025-09-28. Review status: criteria provided, single submitter. Criteria: Invitae Variant Classification Sherloc (09022015). Collection method: clinical testing. Allele origin: germline.
Comment: This sequence change replaces isoleucine, which is neutral and non-polar, with valine, which is neutral and non-polar, at codon 1307 of the POLE protein (p.Ile1307Val). This variant is present in population databases (no rsID available, gnomAD 0.0009%). This missense change has been observed in individual(s) with colorectal cancer (PMID: 34326862). ClinVar contains an entry for this variant (Variation ID: 540823). Invitae Evidence Modeling of protein sequence and biophysical properties (such as structural, functional, and spatial information, amino acid conservation, physicochemical variation, residue mobility, and thermodynamic stability) indicates that this missense variant is not expected to disrupt POLE protein function with a negative predictive value of 80%. In summary, the available evidence is currently insufficient to determine the role of this variant in disease. Therefore, it has been classified as a Variant of Uncertain Significance.

GeneDx
Classification: Uncertain significance. Last evaluated: 2025-03-07. Review status: criteria provided, single submitter. Criteria: GeneDx Variant Classification Process June 2021. Collection method: clinical testing. Allele origin: germline. Affected: yes.
Comment: Not observed at significant frequency in large population cohorts (gnomAD); In silico analysis indicates that this missense variant does not alter protein structure/function; Observed in individuals with colorectal cancer (PMID: 34326862); This variant is associated with the following publications: (PMID: 34326862)

St. Jude Molecular Pathology, St. Jude Children's Research Hospital
Classification: Uncertain significance for Colorectal cancer, susceptibility to, 12. Last evaluated: 2024-05-15. Review status: criteria provided, single submitter. Criteria: St. Jude Assertion Criteria 2020. Collection method: clinical testing. Allele origin: germline.
Comment: The POLE c.3919A>G (p.Ile1307Val) missense change has a maximum subpopulation frequency of 0.0009% in gnomAD v2.1.1. The in silico tool REVEL predicts a benign effect on protein function, but this prediction has not been confirmed by functional studies. This variant has not been reported as pathogenic in individuals with POLE-related disease. In summary, the evidence currently available is insufficient to determine the clinical significance of this variant. It has therefore been classified as of uncertain significance.

Ambry Genetics
Classification: Likely benign for Hereditary cancer-predisposing syndrome. Last evaluated: 2022-10-04. Review status: criteria provided, single submitter. Criteria: Ambry Variant Classification Scheme 2023. Collection method: clinical testing. Allele origin: germline.

Literature cited by the submitters: PubMed 34326862 (cited by Labcorp Genetics (formerly Invitae), Labcorp).

NM_006231.4(POLE):c.3919A>G (p.Ile1307Val)

Gene: POLE (DNA polymerase epsilon, catalytic subunit; minus strand). Cytogenetic location: 12q24.33.
Variant type: single nucleotide variant.
Coding change: c.3919A>G on transcript NM_006231.4 (MANE Select); coding-DNA position 3919, A replaced by G.
Protein change: p.Ile1307Val; replaces isoleucine 1307 with valine.
Molecular consequence: missense variant.
Genome position (GRCh38, 1-based): chr12:132,649,392, T>C on the plus strand (A>G on the coding strand, the complement: POLE is on the minus strand). VCF-style: chr12-132649392-T-C. GRCh37 (hg19) VCF-style: chr12-133225978-T-C.
Other names: short protein forms I1307V.
Identifiers: ClinVar variation 540823 (VCV000540823.12), dbSNP rs1000912264, ClinGen allele CA246310227.